The following is an entry in ClinVar:

NM_012079.6(DGAT1):c.479C>T (p.Thr160Met)

Gene: DGAT1 (diacylglycerol O-acyltransferase 1; minus strand). Cytogenetic location: 8q24.3.
Variant type: single nucleotide variant.
Coding change: c.479C>T on transcript NM_012079.6 (MANE Select); coding-DNA position 479, C replaced by T.
Protein change: p.Thr160Met; replaces threonine 160 with methionine.
Molecular consequence: missense variant.
Genome position (GRCh38, 1-based): chr8:144,318,556, G>A on the plus strand (C>T on the coding strand, the complement: DGAT1 is on the minus strand). VCF-style: chr8-144318556-G-A. GRCh37 (hg19) VCF-style: chr8-145542219-G-A.
Other names: short protein forms T160M.
Identifiers: ClinVar variation 1437761 (VCV001437761.4), dbSNP rs530727318, ClinGen allele CA4937013.

ClinVar aggregate classification (germline): Uncertain significance (1 of 4 stars; one submission).

Allele frequency attached by ClinVar (database versions not stated): gnomAD 0.00002 and 0.00007; gnomAD exomes 0.00004 and 0.00008; TOPMed 0.00004; ExAC 0.00009; 1000 Genomes Project 0.00020; 1000 Genomes Project 30x 0.00031.

Submission:

Labcorp Genetics (formerly Invitae), Labcorp
Classification: Uncertain significance. Last evaluated: 2024-02-24. Review status: criteria provided, single submitter. Criteria: Invitae Variant Classification Sherloc (09022015). Collection method: clinical testing. Allele origin: germline.
Comment: This sequence change replaces threonine, which is neutral and polar, with methionine, which is neutral and non-polar, at codon 160 of the DGAT1 protein (p.Thr160Met). This variant is present in population databases (rs530727318, gnomAD 0.03%). This variant has not been reported in the literature in individuals affected with DGAT1-related conditions. ClinVar contains an entry for this variant (Variation ID: 1437761). Advanced modeling of protein sequence and biophysical properties (such as structural, functional, and spatial information, amino acid conservation, physicochemical variation, residue mobility, and thermodynamic stability) performed at Invitae indicates that this missense variant is not expected to disrupt DGAT1 protein function with a negative predictive value of 80%. In summary, the available evidence is currently insufficient to determine the role of this variant in disease. Therefore, it has been classified as a Variant of Uncertain Significance.